The following is an entry in ClinVar:

NM_000059.4(BRCA2):c.401T>G (p.Leu134Arg)

Gene: BRCA2 (BRCA2 DNA repair associated; plus strand). Cytogenetic location: 13q13.1.
Variant type: single nucleotide variant.
Coding change: c.401T>G on transcript NM_000059.4 (MANE Select); coding-DNA position 401, T replaced by G.
Protein change: p.Leu134Arg; replaces leucine 134 with arginine.
Molecular consequence: missense variant. On other transcripts: non-coding transcript variant (1).
Genome position (GRCh38, 1-based): chr13:32,325,160, T>G. VCF-style: chr13-32325160-T-G. GRCh37 (hg19) VCF-style: chr13-32899297-T-G.
Other names: c.401T>G, p.Leu134Arg (NM_001406719.1, NM_001406720.1, NM_001406721.1 and 1 more transcripts); c.32T>G, p.Leu11Arg (NM_001406722.1); short protein forms L11R, L134R.
Identifiers: ClinVar variation 4867765 (VCV004867765.1).

ClinVar aggregate classification (germline): Uncertain significance (1 of 4 stars; one submission).

Conditions:
Hereditary cancer-predisposing syndrome. Also called: Neoplastic Syndromes, Hereditary; Tumor predisposition; Hereditary Cancer Syndrome; Hereditary neoplastic syndrome. Identifiers: Orphanet 140162, MedGen C0027672, MeSH D009386, MONDO:0015356.

Submission:

Ambry Genetics
Classification: Uncertain significance for Hereditary cancer-predisposing syndrome. Last evaluated: 2026-04-09. Review status: criteria provided, single submitter. Criteria: Ambry Variant Classification Scheme 2023. Collection method: clinical testing. Allele origin: germline.
Comment: The p.L134R variant (also known as c.401T>G), located in coding exon 3 of the BRCA2 gene, results from a T to G substitution at nucleotide position 401. The leucine at codon 134 is replaced by arginine, an amino acid with dissimilar properties. This amino acid position is conserved. In addition, this alteration is predicted to be tolerated by in silico analysis. Based on the available evidence, the clinical significance of this variant remains unclear.